The following continues an entry in ClinVar:

NM_001267550.2(TTN):c.61922G>A (p.Arg20641Gln)

ClinVar aggregate classification (germline): Conflicting classifications of pathogenicity. Uncertain significance (3); Benign (5); Likely benign (12).

Submissions 21 to 29 of 29:

PreventionGenetics, part of Exact Sciences
Classification: Likely benign for TTN-related condition. Last evaluated: 2019-08-13. Review status: no assertion criteria provided. Collection method: clinical testing. Allele origin: germline. Not counted in ClinVar's aggregate classification.
Comment: This variant is classified as likely benign based on ACMG/AMP sequence variant interpretation guidelines (Richards et al. 2015 PMID: 25741868, with internal and published modifications).

Clinical Genetics DNA and cytogenetics Diagnostics Lab, Erasmus MC, Erasmus Medical Center
Classification: Likely benign. Review status: no assertion criteria provided. Collection method: clinical testing. Allele origin: germline. Affected: yes. Study: VKGL Data-share Consensus. Not counted in ClinVar's aggregate classification.

Clinical Genetics, Academic Medical Center
Classification: Benign. Review status: no assertion criteria provided. Collection method: clinical testing. Allele origin: germline. Affected: yes. Study: VKGL Data-share Consensus. Not counted in ClinVar's aggregate classification.

Diagnostic Laboratory, Department of Genetics, University Medical Center Groningen
Classification: Likely benign. Review status: no assertion criteria provided. Collection method: clinical testing. Allele origin: germline. Affected: yes. Study: VKGL Data-share Consensus. Not counted in ClinVar's aggregate classification.

Dr. Peter K. Rogan Lab, Western University
No classification provided (evidence only). Condition: Malignant tumor of esophagus. Review status: no classification provided. Collection method: in vitro. Allele origin: not applicable. Functional consequence: retained intron. Not counted in ClinVar's aggregate classification.

Genome Diagnostics Laboratory, University Medical Center Utrecht
Classification: Likely benign. Review status: no assertion criteria provided. Collection method: clinical testing. Allele origin: germline. Affected: yes. Study: VKGL Data-share Consensus. Not counted in ClinVar's aggregate classification.

Joint Genome Diagnostic Labs from Nijmegen and Maastricht, Radboudumc and MUMC+
Classification: Benign. Review status: no assertion criteria provided. Collection method: clinical testing. Allele origin: germline. Affected: yes. Study: VKGL Data-share Consensus. Not counted in ClinVar's aggregate classification.

Laboratory of Diagnostic Genome Analysis, Leiden University Medical Center (LUMC)
Classification: Likely benign. Review status: no assertion criteria provided. Collection method: clinical testing. Allele origin: germline. Affected: yes. Study: VKGL Data-share Consensus. Not counted in ClinVar's aggregate classification.

Practice for Gait Abnormalities, David Pomarino, Competency Network Toe Walking C/o Practice Pomarino
Classification: Likely pathogenic for Tip-toe gait. Review status: no assertion criteria provided. Collection method: clinical testing. Allele origin: germline. Affected: yes. Not counted in ClinVar's aggregate classification.
Comment: Myopathy refers to diseases that affect skeletal Muscles. These diseases attack muscle fibers, making muscles weak. Inherited myopathies are often caused by inheriting an abnormal gene mutation from a parent that causes the disease. Symptoms of congenital myopathies usually start at birth or in early childhood, but may not appear until the teen years or even later in adulthood. Congenital myopathies are somewhat unique compared with other inherited myopathies, as weakness typically affects all muscles and is often not progressive. Symptoms are: Muscle weakness, most commonly of upper arms and shoulders and thighs, muscle cramps, stiffness and spasms, fatigue with exertion and lack of energy. Our patients all walk on tiptoe, so they show similar symptoms. When we genetically test them with our toe walking panel, we find that around 90 per cent of them have a genetic variant that explains their toe walking. These can be assigned, for example, to the area of myopathies (such as variants of the COL6A3 gene), the area of hereditary neuropathies (such as variants of the KMT2C gene) or the area of metabolic diseases (such as variants of the PYGM gene). In a smaller group of patients with almost identical symptoms, no abnormality is found in the genes of our panel, but spastic paraplegia can be detected. In another small group of our toe walkers, no abnormalities can be detected in the genes analysed in our toe walking panel, nor do they suffer from spastic paraplegia, as is also the case with healthy children. In contrast to these, however, they show a tiptoe gait. These patients suffer from infantile cerebral palsy, in which toe walking can also be observed.

Literature cited by the submitters: PubMed 29970176 (cited by Athena Diagnostics); PubMed 26516846 (cited by Athena Diagnostics); PubMed 37091313 (cited by Practice for Gait Abnormalities, David Pomarino, Competency Network Toe Walking C/o Practice Pomarino).